The following is an entry in ClinVar:

ClinVar aggregate classification (germline): Conflicting classifications of pathogenicity. Review status: criteria provided, conflicting classifications (1 of 4 stars). 9 submissions from 9 submitters: Uncertain significance (2); Benign (1); Likely benign (4). 2 of the submissions do not count toward it. Last evaluated 2025-10-30.

Conditions:
Familial infantile myoclonic epilepsy (FIME). Also called: Epilepsy, Myoclonic, Infantile; TBC1D24-Related Familial Infantile Myoclonic Epilepsy (FIME). Identifiers: Orphanet 352582, MedGen C0917800, MONDO:0011506, OMIM 605021.

Allele frequency attached by ClinVar (database versions not stated): 1000 Genomes Project 30x 0.00016; 1000 Genomes Project 0.00020; ExAC 0.00100; gnomAD exomes 0.00105 and 0.00177; gnomAD 0.00111 and 0.00126; TOPMed 0.00137; ESP Exome Variant Server 0.00143.

Submissions (9):

Women's Health and Genetics/Laboratory Corporation of America, LabCorp
Classification: Uncertain significance. Last evaluated: 2025-10-30. Review status: criteria provided, single submitter. Criteria: LabCorp Variant Classification Summary - May 2015. Collection method: clinical testing. Allele origin: germline.
Comment: Variant summary: TBC1D24 c.-7C>T is located in the untranslated mRNA region upstream of the initiation codon. The variant allele was found at a frequency of 0.001 in 249090 control chromosomes (gnomAD). This frequency is not significantly higher than estimated for disease-causing variants in TBC1D24, allowing no conclusion about variant significance. To our knowledge, no occurrence of c.-7C>T in individuals affected with TBC1D24-related conditions and no experimental evidence demonstrating its impact on protein function have been reported. ClinVar contains an entry for this variant (Variation ID: 139392). Based on the evidence outlined above, the variant was classified as uncertain significance.

Mayo Clinic Laboratories, Mayo Clinic
Classification: Likely benign. Last evaluated: 2025-08-29. Review status: criteria provided, single submitter. Criteria: ACMG Guidelines, 2015. Collection method: clinical testing. Allele origin: germline. Observed: 3 variant alleles.
Comment: BS1, BP4, BP7

Blueprint Genetics
Classification: Likely benign. Last evaluated: 2024-11-27. Review status: criteria provided, single submitter. Criteria: ACMG Guidelines, 2015. Collection method: clinical testing. Allele origin: germline.

Athena Diagnostics
Classification: Likely benign. Last evaluated: 2019-05-03. Review status: criteria provided, single submitter. Criteria: Athena Diagnostics Criteria. Collection method: clinical testing. Allele origin: germline.

Illumina Laboratory Services, Illumina
Classification: Uncertain significance for Familial infantile myoclonic epilepsy. Last evaluated: 2018-01-13. Review status: criteria provided, single submitter. Criteria: ICSL Variant Classification Criteria 13 December 2019. Collection method: clinical testing. Allele origin: germline.

Laboratory for Molecular Medicine, Mass General Brigham Personalized Medicine
Classification: Likely benign. Last evaluated: 2015-07-16. Review status: criteria provided, single submitter. Criteria: LMM Criteria. Collection method: clinical testing. Allele origin: germline. Observed: 4 variant alleles.
Comment: c.-7C>T in exon 1 of TBC1D24: This variant is not expected to have clinical sig nificance because it has been identified in 0.2% (109/65832) of European chromos omes by the Exome Aggregation Consortium (ExAC; dbSNP rs199852092).

GeneDx
Classification: Benign. Last evaluated: 2014-02-14. Review status: criteria provided, single submitter. Criteria: GeneDx Variant Classification (06012015). Collection method: clinical testing. Allele origin: germline. Affected: yes.
Comment: This variant is considered likely benign or benign based on one or more of the following criteria: it is a conservative change, it occurs at a poorly conserved position in the protein, it is predicted to be benign by multiple in silico algorithms, and/or has population frequency not consistent with disease.

Diagnostic Laboratory, Department of Genetics, University Medical Center Groningen
Classification: Likely benign. Review status: no assertion criteria provided. Collection method: clinical testing. Allele origin: germline. Affected: yes. Study: VKGL Data-share Consensus. Not counted in ClinVar's aggregate classification.

Joint Genome Diagnostic Labs from Nijmegen and Maastricht, Radboudumc and MUMC+
Classification: Likely benign. Review status: no assertion criteria provided. Collection method: clinical testing. Allele origin: germline. Affected: yes. Study: VKGL Data-share Consensus. Not counted in ClinVar's aggregate classification.

NM_001199107.2(TBC1D24):c.-7C>T

Gene: TBC1D24 (TBC1 domain family member 24; plus strand). Cytogenetic location: 16p13.3.
Variant type: single nucleotide variant.
Coding change: c.-7C>T on transcript NM_001199107.2 (MANE Select); 7 bases upstream of the start codon, C replaced by T.
Molecular consequence: 5 prime UTR variant.
Genome position (GRCh38, 1-based): chr16:2,496,142, C>T. VCF-style: chr16-2496142-C-T. GRCh37 (hg19) VCF-style: chr16-2546143-C-T.
Other names: c.-7C>T (NM_020705.3).
Identifiers: ClinVar variation 139392 (VCV000139392.18), dbSNP rs199852092, ClinGen allele CA293859.